The following is an entry in ClinVar:

NM_001009944.3(PKD1):c.236T>C (p.Leu79Pro)

Gene: PKD1 (polycystin 1, transient receptor potential channel interacting; minus strand). Cytogenetic location: 16p13.3.
Variant type: single nucleotide variant.
Coding change: c.236T>C on transcript NM_001009944.3 (MANE Select); coding-DNA position 236, T replaced by C.
Protein change: p.Leu79Pro; replaces leucine 79 with proline.
Molecular consequence: missense variant.
Genome position (GRCh38, 1-based): chr16:2,119,358, A>G on the plus strand (T>C on the coding strand, the complement: PKD1 is on the minus strand). VCF-style: chr16-2119358-A-G. GRCh37 (hg19) VCF-style: chr16-2169359-A-G.
Other names: c.236T>C, p.Leu79Pro (NM_000296.4); short protein forms L79P.
Identifiers: ClinVar variation 3780212 (VCV003780212.2).
Genomic context (GRCh38, chr16:2,119,358, plus strand): 5'-GACACTCACAGCTCTGCCAGCGCCGAGAGGTTCGCCAGGAGCCCAACGTCCAGCGCCCGG[A>G]GCAGGTTGTGGGAGACGTCTCTGAGGAGTGAGTGGCCGTGGGTCAGGGCCAGAGCCCCTA-3'
Protein context (NP_001009944.3, residues 69-89): ATALDVSHNL[Leu79Pro]RALDVGLLAN

ClinVar aggregate classification (germline): Uncertain significance. Review status: criteria provided, multiple submitters, no conflicts (2 of 4 stars). 2 submissions from 2 submitters: Uncertain significance (2). Last evaluated 2024-10-24.

Conditions:
Polycystic kidney disease, adult type (PKD1). Also called: Polycystic Kidney, Autosomal Dominant; POLYCYSTIC KIDNEY DISEASE 1 WITH OR WITHOUT POLYCYSTIC LIVER DISEASE; Polycystic Kidney Disease 1, Autosomal Dominant; Polycystic kidney disease 1; Polycystic kidney disease 1, severe; POLYCYSTIC KIDNEY DISEASE, ADULT, TYPE I. Identifiers: MedGen C3149841, MONDO:0008263, OMIM 173900.

Submissions (2):

GeneDx
Classification: Uncertain significance. Last evaluated: 2024-10-24. Review status: criteria provided, single submitter. Criteria: GeneDx Variant Classification Process June 2021. Collection method: clinical testing. Allele origin: germline. Affected: yes.
Comment: Not observed at significant frequency in large population cohorts (gnomAD); In silico analysis indicates that this missense variant does not alter protein structure/function; Has not been previously published as pathogenic or benign to our knowledge

Department of Pathology and Laboratory Medicine, Sinai Health System
Classification: Uncertain significance for Polycystic kidney disease, adult type. Last evaluated: 2023-11-05. Review status: criteria provided, single submitter. Criteria: ACMG Guidelines, 2015. Collection method: clinical testing. Allele origin: germline. Affected: yes.